The following is an entry in ClinVar:

ClinVar aggregate classification (germline): Uncertain significance (1 of 4 stars; one submission).

Conditions:
Neurofibromatosis, type 1 (NF1). Also called: Peripheral type neurofibromatosis; Neurofibromatosis, type I; VON RECKLINGHAUSEN DISEASE; NEUROFIBROMATOSIS, TYPE I, SOMATIC. Identifiers: Orphanet 636, MedGen C0027831, MONDO:0018975, OMIM 162200. Disease mechanism: loss of function.

Submission:

Labcorp Genetics (formerly Invitae), Labcorp
Classification: Uncertain significance for Neurofibromatosis, type 1. Last evaluated: 2024-05-29. Review status: criteria provided, single submitter. Criteria: Invitae Variant Classification Sherloc (09022015). Collection method: clinical testing. Allele origin: germline.
Comment: This sequence change replaces valine, which is neutral and non-polar, with glycine, which is neutral and non-polar, at codon 1242 of the NF1 protein (p.Val1242Gly). This variant is not present in population databases (gnomAD no frequency). This variant has not been reported in the literature in individuals affected with NF1-related conditions. ClinVar contains an entry for this variant (Variation ID: 945105). Advanced modeling of protein sequence and biophysical properties (such as structural, functional, and spatial information, amino acid conservation, physicochemical variation, residue mobility, and thermodynamic stability) performed at Invitae indicates that this missense variant is expected to disrupt NF1 protein function with a positive predictive value of 95%. In summary, the available evidence is currently insufficient to determine the role of this variant in disease. Therefore, it has been classified as a Variant of Uncertain Significance.

NM_001042492.3(NF1):c.3725T>G (p.Val1242Gly)

Gene: NF1 (neurofibromin 1; plus strand). Cytogenetic location: 17q11.2.
Variant type: single nucleotide variant.
Coding change: c.3725T>G on transcript NM_001042492.3 (MANE Select); coding-DNA position 3725, T replaced by G.
Protein change: p.Val1242Gly; replaces valine 1242 with glycine.
Molecular consequence: missense variant.
Genome position (GRCh38, 1-based): chr17:31,235,627, T>G. VCF-style: chr17-31235627-T-G. GRCh37 (hg19) VCF-style: chr17-29562645-T-G.
Other names: c.3725T>G, p.Val1242Gly (NM_000267.4); short protein forms V1242G.
Identifiers: ClinVar variation 945105 (VCV000945105.6), dbSNP rs2067185801, ClinGen allele CA398992341.